The following is an entry in ClinVar:

NM_001360016.2(G6PD):c.[202G>A;563C>T]

Variant type: Haplotype.
Identifiers: ClinVar variation 1722696 (VCV001722696.2).

ClinVar aggregate classification (germline): Uncertain significance (1 of 4 stars; one submission).

Conditions:
Anemia, nonspherocytic hemolytic, due to G6PD deficiency (CNSHA1). Also called: Hemolytic anemia due to G6PD deficiency; Favism, susceptibility to; Class I glucose-6-phosphate dehydrogenase deficiency; ANEMIA, CONGENITAL, NONSPHEROCYTIC HEMOLYTIC, 1. Identifiers: Orphanet 466026, MedGen C2720289, MONDO:0010480, OMIM 300908.

Submission:

Dunham Lab, University of Washington
Classification: Uncertain significance for Anemia, nonspherocytic hemolytic, due to G6PD deficiency. Last evaluated: 2022-08-12. Review status: criteria provided, single submitter. Criteria: Bayesian ACMG Guidelines, 2018. Collection method: curation. Allele origin: unknown. Affected: yes.
Comment: Variant found in hemizygotes with deficiency (PP4). Decreased activity in red blood cells (4%) (PS3). Post_P 0.812 (odds of pathogenicity 38.9, Prior_P 0.1).

Literature cited by the submitters: PubMed 23006493.